The following is an entry in ClinVar:

NM_000069.3(CACNA1S):c.*104T>C

Gene: CACNA1S (calcium voltage-gated channel subunit alpha1 S; minus strand). Cytogenetic location: 1q32.1.
Variant type: single nucleotide variant.
Coding change: c.*104T>C on transcript NM_000069.3 (MANE Select); 104 bases downstream of the stop codon, T replaced by C.
Molecular consequence: 3 prime UTR variant.
Genome position (GRCh38, 1-based): chr1:201,039,727, A>G on the plus strand (T>C on the coding strand, the complement: CACNA1S is on the minus strand). VCF-style: chr1-201039727-A-G. GRCh37 (hg19) VCF-style: chr1-201008855-A-G.
Identifiers: ClinVar variation 294702 (VCV000294702.5), dbSNP rs186777514, ClinGen allele CA10609349.
Genomic context (GRCh38, chr1:201,039,727, plus strand): 5'-CCGCACTTTTTGAGGTGGTTCCTGACCACCCTGCCTCAGGCCATGCATCTAGCTGCTGAG[A>G]GGGAGGGAGGCTGCTGCGGTGGGCTAGCCCTTCTCCACCCCAGCAACTTCCCCACCCCCA-3'

ClinVar aggregate classification (germline): Likely benign (1 of 4 stars; one submission).

Conditions:
Hypokalemic periodic paralysis, type 1. Also called: Hypokalemic Periodic Paralysis Type 1 (AD); HypoPP. Identifiers: Orphanet 681, MedGen C3714580, MONDO:0042979, OMIM 170400.

Allele frequency attached by ClinVar (database versions not stated): 1000 Genomes Project 30x 0.00016; 1000 Genomes Project 0.00020; TOPMed 0.00037; gnomAD 0.00038 and 0.00041.
gnomAD v4.1: 728 of 1,498,418 alleles (0.049%); highest among the groups gnomAD compares: Non-Finnish European, 0.064%; no homozygotes.

Submission:

Illumina Laboratory Services, Illumina
Classification: Likely benign for Hypokalemic periodic paralysis, type 1. Last evaluated: 2017-04-27. Review status: criteria provided, single submitter. Criteria: ICSL Variant Classification Criteria 13 December 2019. Collection method: clinical testing. Allele origin: germline.
Comment: This variant was observed as part of a predisposition screen in an ostensibly healthy population. A literature search was performed for the gene, cDNA change, and amino acid change (where applicable). No publications were found based on this search. Allele frequency data from public databases allowed determination this variant is unlikely to cause disease. Therefore, this variant is classified as likely benign.